The following is an entry in ClinVar:

NM_032380.5(GFM2):c.1792A>G (p.Ile598Val)

Gene: GFM2 (GTP dependent ribosome recycling factor mitochondrial 2; minus strand). Cytogenetic location: 5q13.3.
Variant type: single nucleotide variant.
Coding change: c.1792A>G on transcript NM_032380.5 (MANE Select); coding-DNA position 1792, A replaced by G.
Protein change: p.Ile598Val; replaces isoleucine 598 with valine.
Molecular consequence: missense variant. On other transcripts: non-coding transcript variant (1).
Genome position (GRCh38, 1-based): chr5:74,726,061, T>C on the plus strand (A>G on the coding strand, the complement: GFM2 is on the minus strand). VCF-style: chr5-74726061-T-C. GRCh37 (hg19) VCF-style: chr5-74021886-T-C.
Other names: c.1888A>G, p.Ile630Val (NM_001281302.2); c.1651A>G, p.Ile551Val (NM_170691.3); short protein forms I551V, I630V, I598V.
Identifiers: ClinVar variation 2083612 (VCV002083612.4), dbSNP rs1180278931, ClinGen allele CA360077006.

ClinVar aggregate classification (germline): Uncertain significance (1 of 4 stars; one submission).

Allele frequency attached by ClinVar (database versions not stated): gnomAD exomes below 0.00001; TOPMed below 0.00001; gnomAD 0.00001.
gnomAD v4.1: 7 of 1,613,442 alleles (0.00043%); highest among the groups gnomAD compares: Non-Finnish European, 0.00059%; no homozygotes.

Submission:

Labcorp Genetics (formerly Invitae), Labcorp
Classification: Uncertain significance. Last evaluated: 2022-01-23. Review status: criteria provided, single submitter. Criteria: Invitae Variant Classification Sherloc (09022015). Collection method: clinical testing. Allele origin: germline.
Comment: In summary, the available evidence is currently insufficient to determine the role of this variant in disease. Therefore, it has been classified as a Variant of Uncertain Significance. Algorithms developed to predict the effect of missense changes on protein structure and function output the following: SIFT: "Tolerated"; PolyPhen-2: "Benign"; Align-GVGD: "Class C0". The valine amino acid residue is found in multiple mammalian species, which suggests that this missense change does not adversely affect protein function. This variant has not been reported in the literature in individuals affected with GFM2-related conditions. This variant is present in population databases (no rsID available, gnomAD 0.007%). This sequence change replaces isoleucine, which is neutral and non-polar, with valine, which is neutral and non-polar, at codon 598 of the GFM2 protein (p.Ile598Val).